The following is an entry in ClinVar:

NM_003002.4(SDHD):c.327A>G (p.Gln109=)

Gene: SDHD (succinate dehydrogenase complex subunit D; plus strand). Cytogenetic location: 11q23.1.
Variant type: single nucleotide variant.
Coding change: c.327A>G on transcript NM_003002.4 (MANE Select); coding-DNA position 327, A replaced by G.
Protein change: p.Gln109=; no amino-acid change (glutamine 109 retained).
Molecular consequence: synonymous variant. On other transcripts: missense variant (1), 3 prime UTR variant (1), non-coding transcript variant (1).
Genome position (GRCh38, 1-based): chr11:112,094,817, A>G. VCF-style: chr11-112094817-A-G. GRCh37 (hg19) VCF-style: chr11-111965541-A-G.
Other names: c.327A>G (NM_003002.2); c.182A>G, p.Lys61Arg (NM_001276503.2); c.210A>G, p.Gln70= (NM_001276504.2); c.*25A>G (NM_001276506.2); short protein forms K61R.
Identifiers: ClinVar variation 581877 (VCV000581877.8), dbSNP rs1566702383, ClinGen allele CA382618786.

ClinVar aggregate classification (germline): Benign/Likely benign. Review status: criteria provided, multiple submitters, no conflicts (2 of 4 stars). 3 submissions from 3 submitters: Benign (1); Likely benign (2). Last evaluated 2025-06-18.

Conditions:
Pheochromocytoma/paraganglioma syndrome 1. Also called: PARAGANGLIOMAS, FAMILIAL NONCHROMAFFIN, 1; PGL 1; Paragangliomas familial 1; SDHD-Related Hereditary Paraganglioma-Pheochromocytoma Syndrome; Paragangliomas 1; Glomus tumors familial 1. Identifiers: Orphanet 29072, MedGen C3494181, MONDO:0008192, OMIM 168000.
Carney-Stratakis syndrome. Also called: PARAGANGLIOMA AND GASTROINTESTINAL STROMAL TUMOR. Identifiers: Orphanet 97286, MedGen C1847319, MONDO:0011740, OMIM 606864.
Cowden syndrome 3 (CWS3). Identifiers: Orphanet 201, MedGen CN166604, MONDO:0014045.
Pheochromocytoma. Also called: MAX-Related Hereditary Paraganglioma-Pheochromocytoma Syndrome. Identifiers: Orphanet 29072, MedGen C0031511, MONDO:0008233, OMIM 171300, HP:0002666.
Paragangliomas with sensorineural hearing loss. Identifiers: MedGen C1868633.
Hereditary cancer-predisposing syndrome. Also called: Neoplastic Syndromes, Hereditary; Hereditary Cancer Syndrome; Tumor predisposition; Hereditary neoplastic syndrome. Identifiers: Orphanet 140162, MedGen C0027672, MeSH D009386, MONDO:0015356.

Allele frequency attached by ClinVar (database versions not stated): TOPMed below 0.00001; gnomAD 0.00001.
gnomAD v4.1: 1 of 1,611,868 alleles (0.000062%); highest among the groups gnomAD compares: Non-Finnish European, 0.000085%; no homozygotes.

Submissions (3):

Labcorp Genetics (formerly Invitae), Labcorp
Classification: Likely benign for Carney-Stratakis syndrome; Paragangliomas with sensorineural hearing loss; Pheochromocytoma; Cowden syndrome 3. Last evaluated: 2025-06-18. Review status: criteria provided, single submitter. Criteria: Invitae Variant Classification Sherloc (09022015). Collection method: clinical testing. Allele origin: germline.

Myriad Genetics, Inc.
Classification: Benign for Pheochromocytoma/paraganglioma syndrome 1. Last evaluated: 2025-03-17. Review status: criteria provided, single submitter. Criteria: Myriad Autosomal Dominant, Autosomal Recessive and X-Linked Classification Criteria (2023). Collection method: clinical testing. Allele origin: unknown.
Comment: This variant is considered benign. This variant is a silent/synonymous amino acid change and it is not expected to impact splicing.

Ambry Genetics
Classification: Likely benign for Hereditary cancer-predisposing syndrome. Last evaluated: 2025-02-01. Review status: criteria provided, single submitter. Criteria: Ambry Variant Classification Scheme 2023. Collection method: clinical testing. Allele origin: germline.